The following is an entry in ClinVar:

ClinVar aggregate classification (germline): Uncertain significance (1 of 4 stars; one submission).

Submission:

Labcorp Genetics (formerly Invitae), Labcorp
Classification: Uncertain significance. Last evaluated: 2024-05-21. Review status: criteria provided, single submitter. Criteria: Invitae Variant Classification Sherloc (09022015). Collection method: clinical testing. Allele origin: germline.
Comment: This sequence change replaces glycine, which is neutral and non-polar, with aspartic acid, which is acidic and polar, at codon 567 of the KIF2A protein (p.Gly567Asp). This variant is not present in population databases (gnomAD no frequency). This variant has not been reported in the literature in individuals affected with KIF2A-related conditions. An algorithm developed to predict the effect of missense changes on protein structure and function (PolyPhen-2) suggests that this variant is likely to be tolerated. In summary, the available evidence is currently insufficient to determine the role of this variant in disease. Therefore, it has been classified as a Variant of Uncertain Significance.

NM_001098511.3(KIF2A):c.1700G>A (p.Gly567Asp)

Gene: KIF2A (kinesin family member 2A; plus strand). Cytogenetic location: 5q12.1.
Variant type: single nucleotide variant.
Coding change: c.1700G>A on transcript NM_001098511.3 (MANE Select); coding-DNA position 1700, G replaced by A.
Protein change: p.Gly567Asp; replaces glycine 567 with aspartic acid.
Molecular consequence: missense variant. On other transcripts: intron variant (3).
Genome position (GRCh38, 1-based): chr5:62,372,491, G>A. VCF-style: chr5-62372491-G-A. GRCh37 (hg19) VCF-style: chr5-61668318-G-A.
Other names: c.1566-1196G>A (NM_001243952.2); c.1647-1196G>A (NM_004520.5); c.1590-1196G>A (NM_001243953.2); short protein forms G567D.
Identifiers: ClinVar variation 3654096 (VCV003654096.2).